The following is an entry in ClinVar:

NM_000059.4(BRCA2):c.6950A>G (p.Asp2317Gly)

Gene: BRCA2 (BRCA2 DNA repair associated; plus strand). Cytogenetic location: 13q13.1.
Variant type: single nucleotide variant.
Coding change: c.6950A>G on transcript NM_000059.4 (MANE Select); coding-DNA position 6950, A replaced by G.
Protein change: p.Asp2317Gly; replaces aspartic acid 2317 with glycine.
Molecular consequence: missense variant.
Genome position (GRCh38, 1-based): chr13:32,346,839, A>G. VCF-style: chr13-32346839-A-G. GRCh37 (hg19) VCF-style: chr13-32920976-A-G.
Other names: short protein forms D2317G.
Identifiers: ClinVar variation 482972 (VCV000482972.10), dbSNP rs1555285332, ClinGen allele CA387792991.

ClinVar aggregate classification (germline): Uncertain significance. Review status: criteria provided, multiple submitters, no conflicts (2 of 4 stars). 3 submissions from 3 submitters: Uncertain significance (3). Last evaluated 2024-01-01.

Conditions:
Hereditary cancer-predisposing syndrome. Also called: Hereditary neoplastic syndrome; Neoplastic Syndromes, Hereditary; Tumor predisposition; Hereditary Cancer Syndrome. Identifiers: Orphanet 140162, MedGen C0027672, MeSH D009386, MONDO:0015356.
Hereditary breast ovarian cancer syndrome. Also called: Hereditary breast and ovarian cancer syndrome (HBOC); Breast and ovarian cancer; Hereditary breast and ovarian cancer syndrome; Hereditary breast and ovarian cancer; Hereditary breast and/or ovarian cancer syndrome; BRCA1- and BRCA2-Associated Hereditary Breast and Ovarian Cancer. Identifiers: Orphanet 145, MedGen C0677776, MeSH D061325, MONDO:0003582. Disease mechanism: loss of function.
Breast-ovarian cancer, familial, susceptibility to, 2 (BROVCA2). Also called: BRCA2 Hereditary Breast and Ovarian Cancer. Identifiers: Orphanet 145, MedGen C2675520, MONDO:0012933, OMIM 612555. Disease mechanism: loss of function.

Submissions (3):

Labcorp Genetics (formerly Invitae), Labcorp
Classification: Uncertain significance for Hereditary breast ovarian cancer syndrome. Last evaluated: 2024-01-01. Review status: criteria provided, single submitter. Criteria: Invitae Variant Classification Sherloc (09022015). Collection method: clinical testing. Allele origin: germline.
Comment: This sequence change replaces aspartic acid, which is acidic and polar, with glycine, which is neutral and non-polar, at codon 2317 of the BRCA2 protein (p.Asp2317Gly). This variant is not present in population databases (gnomAD no frequency). This variant has not been reported in the literature in individuals affected with BRCA2-related conditions. ClinVar contains an entry for this variant (Variation ID: 482972). Advanced modeling of protein sequence and biophysical properties (such as structural, functional, and spatial information, amino acid conservation, physicochemical variation, residue mobility, and thermodynamic stability) performed at Invitae indicates that this missense variant is not expected to disrupt BRCA2 protein function with a negative predictive value of 95%. In summary, the available evidence is currently insufficient to determine the role of this variant in disease. Therefore, it has been classified as a Variant of Uncertain Significance.

KCCC/NGS Laboratory, Kuwait Cancer Control Center
Classification: Uncertain significance for Breast-ovarian cancer, familial, susceptibility to, 2. Last evaluated: 2023-06-06. Review status: criteria provided, single submitter. Criteria: ACMG Guidelines, 2015. Collection method: clinical testing. Allele origin: germline. Affected: yes.
Comment: BRCA2 c.6950A>G (p.Asp2317Gly) results in an amino acid change in position 2314. This variant has no entry in the population frequency database (gnomAD). ClinVar has a single entry for this variant and is described as of uncertain significance. As far as we know, this variant has not been published in individuals with cancer. In silico models are all in agreement this variant is deleterious. For these reasons, this mutation is considered as variant of uncertain significance.

Ambry Genetics
Classification: Uncertain significance for Hereditary cancer-predisposing syndrome. Last evaluated: 2016-03-17. Review status: criteria provided, single submitter. Criteria: Ambry Variant Classification Scheme 2023. Collection method: clinical testing. Allele origin: germline.
Comment: The p.D2317G variant (also known as c.6950A>G), located in coding exon 12 of the BRCA2 gene, results from an A to G substitution at nucleotide position 6950. The aspartic acid at codon 2317 is replaced by glycine, an amino acid with similar properties. This variant was not reported in population based cohorts in the following databases: Database of Single Nucleotide Polymorphisms (dbSNP), NHLBI Exome Sequencing Project (ESP), and 1000 Genomes Project. In the ESP, this variant was not observed in 6495 samples (12990 alleles) with coverage at this position. To date, this alteration has been detected with an allele frequency of approximately 0.0004% (greater than 225000 alleles tested) in our clinical cohort. This amino acid position is highly conserved in available vertebrate species. In addition, this alteration is predicted to be deleterious by in silico analysis. Since supporting evidence is limited at this time, the clinical significance of this alteration remains unclear.